The following is an entry in ClinVar:

NM_000718.4(CACNA1B):c.5855G>T (p.Arg1952Met)

Gene: CACNA1B (calcium voltage-gated channel subunit alpha1 B; plus strand). Cytogenetic location: 9q34.3.
Variant type: single nucleotide variant.
Coding change: c.5855G>T on transcript NM_000718.4 (MANE Select); coding-DNA position 5855, G replaced by T.
Protein change: p.Arg1952Met; replaces arginine 1952 with methionine.
Molecular consequence: missense variant.
Genome position (GRCh38, 1-based): chr9:138,118,023, G>T. VCF-style: chr9-138118023-G-T. GRCh37 (hg19) VCF-style: chr9-141012475-G-T.
Other names: c.5855G>T, p.Arg1952Met (NM_001243812.2); short protein forms R1952M.
Identifiers: ClinVar variation 2197250 (VCV002197250.3), dbSNP rs997657520, ClinGen allele CA201872163.

ClinVar aggregate classification (germline): Uncertain significance (1 of 4 stars; one submission).

Allele frequency attached by ClinVar (database versions not stated): TOPMed below 0.00001; gnomAD 0.00001; gnomAD exomes 0.00001.
gnomAD v4.1: 21 of 1,601,190 alleles (0.0013%); highest among the groups gnomAD compares: Non-Finnish European, 0.0017%; no homozygotes.

Submission:

Labcorp Genetics (formerly Invitae), Labcorp
Classification: Uncertain significance. Last evaluated: 2024-11-12. Review status: criteria provided, single submitter. Criteria: Invitae Variant Classification Sherloc (09022015). Collection method: clinical testing. Allele origin: germline.
Comment: This sequence change replaces arginine, which is basic and polar, with methionine, which is neutral and non-polar, at codon 1952 of the CACNA1B protein (p.Arg1952Met). This variant is present in population databases (no rsID available, gnomAD 0.002%). This variant has not been reported in the literature in individuals affected with CACNA1B-related conditions. ClinVar contains an entry for this variant (Variation ID: 2197250). An algorithm developed to predict the effect of missense changes on protein structure and function (PolyPhen-2) suggests that this variant is likely to be disruptive. In summary, the available evidence is currently insufficient to determine the role of this variant in disease. Therefore, it has been classified as a Variant of Uncertain Significance.